The following is an entry in ClinVar:

ClinVar aggregate classification (germline): Likely benign (0 of 4 stars; one submission).

Conditions:
PLS1-related disorder. Also called: PLS1-related condition.

Allele frequency attached by ClinVar (database versions not stated): gnomAD 0.00004; gnomAD exomes 0.00006; TOPMed 0.00007; ExAC 0.00009; ESP Exome Variant Server 0.00015.
gnomAD v4.1: 99 of 1,589,762 alleles (0.0062%); highest among the groups gnomAD compares: Non-Finnish European, 0.0078%; no homozygotes.

Submission:

PreventionGenetics, part of Exact Sciences
Classification: Likely benign for PLS1-related condition. Last evaluated: 2020-08-04. Review status: no assertion criteria provided. Collection method: clinical testing. Allele origin: germline.
Comment: This variant is classified as likely benign based on ACMG/AMP sequence variant interpretation guidelines (Richards et al. 2015 PMID: 25741868, with internal and published modifications).

NM_001145319.2(PLS1):c.897A>G (p.Arg299=)

Gene: PLS1 (plastin 1; plus strand). Cytogenetic location: 3q23.
Variant type: single nucleotide variant.
Coding change: c.897A>G on transcript NM_001145319.2 (MANE Select); coding-DNA position 897, A replaced by G.
Protein change: p.Arg299=; no amino-acid change (arginine 299 retained).
Molecular consequence: synonymous variant.
Genome position (GRCh38, 1-based): chr3:142,686,292, A>G. VCF-style: chr3-142686292-A-G. GRCh37 (hg19) VCF-style: chr3-142405134-A-G.
Other names: c.897A>G, p.Arg299= (NM_001172312.2, NM_002670.3).
Identifiers: ClinVar variation 3051401 (VCV003051401.2), dbSNP rs145126591, ClinGen allele CA2651168.
Genomic context (GRCh38, chr3:142,686,292, plus strand): 5'-CAATGATGATTTTATTCGTTTTAAAAATGCTATTTCATATCTTTCCTTGAAGGACTCGAG[A>G]GCCTATTTTCATCTGCTTAATCAGATTGCCCCTAAAGGTGGGGAAGATGGACCTGCCATT-3'
Protein context (NP_001138791.1, residues 289-309): SNFSQDIKDS[Arg299=]AYFHLLNQIA